The following is an entry in ClinVar:

NM_002691.4(POLD1):c.1085C>G (p.Pro362Arg)

Gene: POLD1 (DNA polymerase delta 1, catalytic subunit; plus strand). Cytogenetic location: 19q13.33.
Variant type: single nucleotide variant.
Coding change: c.1085C>G on transcript NM_002691.4 (MANE Select); coding-DNA position 1085, C replaced by G.
Protein change: p.Pro362Arg; replaces proline 362 with arginine.
Molecular consequence: missense variant. On other transcripts: non-coding transcript variant (1).
Genome position (GRCh38, 1-based): chr19:50,403,167, C>G. VCF-style: chr19-50403167-C-G. GRCh37 (hg19) VCF-style: chr19-50906424-C-G.
Other names: c.1085C>G, p.Pro362Arg (NM_001256849.1, NM_001308632.1); short protein forms P362R.
Identifiers: ClinVar variation 1787440 (VCV001787440.6), dbSNP rs1601204609, ClinGen allele CA406978295.
Genomic context (GRCh38, chr19:50,403,167, plus strand): 5'-TGCGCTGGGGGGAGCCGGAGCCCTTCCTACGCCTGGCGCTCACCCTGCGGCCCTGTGCCC[C>G]CATCCTGGGTGCCAAGGTGCAGAGCTACGAGAAGGAGGAGGACCTGCTGCAGGTAGCTCT-3'
Protein context (NP_002682.2, residues 352-372): RLALTLRPCA[Pro362Arg]ILGAKVQSYE

ClinVar aggregate classification (germline): Uncertain significance. Review status: criteria provided, multiple submitters, no conflicts (2 of 4 stars). 3 submissions from 3 submitters: Uncertain significance (3). Last evaluated 2024-01-19.

Conditions:
Hereditary cancer-predisposing syndrome. Also called: Tumor predisposition; Hereditary Cancer Syndrome; Hereditary neoplastic syndrome; Neoplastic Syndromes, Hereditary. Identifiers: Orphanet 140162, MedGen C0027672, MeSH D009386, MONDO:0015356.
POLD1-related polyposis and colorectal cancer syndrome (CRCS10). Also called: Colorectal cancer 10; COLORECTAL CANCER, SUSCEPTIBILITY TO, ON CHROMOSOME 19q; Colorectal cancer, susceptibility to, 10. Identifiers: Orphanet 220460, MedGen C2675481, MONDO:0012953, OMIM 612591.

Submissions (3):

Labcorp Genetics (formerly Invitae), Labcorp
Classification: Uncertain significance for POLD1-related polyposis and colorectal cancer syndrome. Last evaluated: 2024-01-19. Review status: criteria provided, single submitter. Criteria: Invitae Variant Classification Sherloc (09022015). Collection method: clinical testing. Allele origin: germline.
Comment: This sequence change replaces proline, which is neutral and non-polar, with arginine, which is basic and polar, at codon 362 of the POLD1 protein (p.Pro362Arg). This variant is not present in population databases (gnomAD no frequency). This variant has not been reported in the literature in individuals affected with POLD1-related conditions. ClinVar contains an entry for this variant (Variation ID: 1787440). Advanced modeling of protein sequence and biophysical properties (such as structural, functional, and spatial information, amino acid conservation, physicochemical variation, residue mobility, and thermodynamic stability) has been performed at Invitae for this missense variant, however the output from this modeling did not meet the statistical confidence thresholds required to predict the impact of this variant on POLD1 protein function. In summary, the available evidence is currently insufficient to determine the role of this variant in disease. Therefore, it has been classified as a Variant of Uncertain Significance.

Laboratorio de Genetica e Diagnostico Molecular, Hospital Israelita Albert Einstein
Classification: Uncertain significance for POLD1-related polyposis and colorectal cancer syndrome. Last evaluated: 2022-08-24. Review status: criteria provided, single submitter. Criteria: ACMG Guidelines, 2015. Collection method: clinical testing. Allele origin: germline. Affected: yes. Observed: 1 variant allele.
Comment: ACMG classification criteria: PM2 moderated, BP4 supporting

Ambry Genetics
Classification: Uncertain significance for Hereditary cancer-predisposing syndrome. Last evaluated: 2022-05-12. Review status: criteria provided, single submitter. Criteria: Ambry Variant Classification Scheme 2023. Collection method: clinical testing. Allele origin: germline.
Comment: The p.P362R variant (also known as c.1085C>G), located in coding exon 8 of the POLD1 gene, results from a C to G substitution at nucleotide position 1085. The proline at codon 362 is replaced by arginine, an amino acid with dissimilar properties. This amino acid position is conserved. In addition, this alteration is predicted to be tolerated by in silico analysis. Since supporting evidence is limited at this time, the clinical significance of this alteration remains unclear.